The following is an entry in ClinVar:

NM_000256.3(MYBPC3):c.1357C>G (p.Pro453Ala)

Gene: MYBPC3 (myosin binding protein C3; minus strand). Cytogenetic location: 11p11.2.
Variant type: single nucleotide variant.
Coding change: c.1357C>G on transcript NM_000256.3 (MANE Select); coding-DNA position 1357, C replaced by G.
Protein change: p.Pro453Ala; replaces proline 453 with alanine.
Molecular consequence: missense variant.
Genome position (GRCh38, 1-based): chr11:47,342,930, G>C on the plus strand (C>G on the coding strand, the complement: MYBPC3 is on the minus strand). VCF-style: chr11-47342930-G-C. GRCh37 (hg19) VCF-style: chr11-47364481-G-C.
Other names: c.1357C>G, p.Pro453Ala (LRG_386t1); short protein forms P453A.
Identifiers: ClinVar variation 518498 (VCV000518498.16), dbSNP rs749310275, ClinGen allele CA078043.
Genomic context (GRCh38, chr11:47,342,930, plus strand): 5'-ACTCCACCCGCTGCCCCACCATCACCAGCTGGTCCTCCAAGGGGCGCGTGATGAGCACAG[G>C]GGGCTCTGTCCAGGCAGGGTGAGCATGAGGGTTGGCTCCCCTGAGGCCATCTCCTCCCCA-3'
Protein context (NP_000247.2, residues 443-463): CSTELFVKEP[Pro453Ala]VLITRPLEDQ

ClinVar aggregate classification (germline): Uncertain significance. Review status: criteria provided, multiple submitters, no conflicts (2 of 4 stars). 6 submissions from 6 submitters: Uncertain significance (6). Last evaluated 2026-06-19.

Conditions:
Left ventricular noncompaction 10 (LVNC10). Identifiers: Orphanet 154, Orphanet 54260, MedGen C3715165, MONDO:0014163, OMIM 615396.
Hypertrophic cardiomyopathy 4. Also called: Familial hypertrophic cardiomyopathy 4. Identifiers: MedGen C1861862, MONDO:0007268, OMIM 115197.
MYBPC3-related disorder. Also called: MYBPC3-related condition; MYBPC3-related disease; MYBPC3-related disorders.
Hypertrophic cardiomyopathy. Also called: HYPERTROPHIC MYOCARDIOPATHY. Identifiers: Orphanet 217569, MedGen C0007194, MeSH D002312, MONDO:0005045, HP:0001639.
Cardiomyopathy (CMYO). Also called: Cardiomyopathies. Identifiers: Orphanet 167848, MedGen C0878544, MONDO:0004994, HP:0001638. Inheritance: Various modes of inheritance.
Cardiovascular phenotype. Identifiers: MedGen CN230736.

Allele frequency attached by ClinVar (database versions not stated): ExAC 0.00001; gnomAD 0.00001.

Submissions (6):

PreventionGenetics, part of Exact Sciences
Classification: Uncertain significance for MYBPC3-related condition. Last evaluated: 2026-06-19. Review status: criteria provided, single submitter. Criteria: ACMG Guidelines, 2015. Collection method: clinical testing. Allele origin: germline.
Comment: The MYBPC3 c.1357C>G variant is predicted to result in the amino acid substitution p.Pro453Ala. To our knowledge, this variant has not been reported in the literature or in a large population database (gnomAD), indicating this variant is rare. At this time, the clinical significance of this variant is uncertain due to the absence of conclusive functional and genetic evidence.

Labcorp Genetics (formerly Invitae), Labcorp
Classification: Uncertain significance for Hypertrophic cardiomyopathy. Last evaluated: 2025-10-26. Review status: criteria provided, single submitter. Criteria: Invitae Variant Classification Sherloc (09022015). Collection method: clinical testing. Allele origin: germline.
Comment: This sequence change replaces proline, which is neutral and non-polar, with alanine, which is neutral and non-polar, at codon 453 of the MYBPC3 protein (p.Pro453Ala). This variant is present in population databases (rs749310275, gnomAD 0.006%). This variant has not been reported in the literature in individuals affected with MYBPC3-related conditions. ClinVar contains an entry for this variant (Variation ID: 518498). An algorithm developed to predict the effect of missense changes on protein structure and function (PolyPhen-2) suggests that this variant is likely to be tolerated. In summary, the available evidence is currently insufficient to determine the role of this variant in disease. Therefore, it has been classified as a Variant of Uncertain Significance.

Color Diagnostics, LLC DBA Color Health
Classification: Uncertain significance for Cardiomyopathy. Last evaluated: 2025-06-24. Review status: criteria provided, single submitter. Criteria: ACMG Guidelines, 2015. Collection method: clinical testing. Allele origin: germline.
Comment: This missense variant replaces proline with alanine at codon 453 of the MYBPC3 protein. Computational prediction suggests that this variant may have a deleterious impact on protein structure and function. To our knowledge, functional studies have not been reported for this variant. This variant has not been reported in individuals affected with MYBPC3-related disorders in the literature. This variant has not been identified in the general population by the Genome Aggregation Database (gnomAD). The available evidence is insufficient to determine the role of this variant in disease conclusively. Therefore, this variant is classified as a Variant of Uncertain Significance.

Blueprint Genetics
Classification: Uncertain significance. Last evaluated: 2024-10-03. Review status: criteria provided, single submitter. Criteria: ACMG Guidelines, 2015. Collection method: clinical testing. Allele origin: germline.

Ambry Genetics
Classification: Uncertain significance for Cardiovascular phenotype. Last evaluated: 2023-06-07. Review status: criteria provided, single submitter. Criteria: Ambry Variant Classification Scheme 2023. Collection method: clinical testing. Allele origin: germline.
Comment: The p.P453A variant (also known as c.1357C>G), located in coding exon 16 of the MYBPC3 gene, results from a C to G substitution at nucleotide position 1357. The proline at codon 453 is replaced by alanine, an amino acid with highly similar properties. This amino acid position is highly conserved in available vertebrate species. In addition, the in silico prediction for this alteration is inconclusive. Since supporting evidence is limited at this time, the clinical significance of this alteration remains unclear.

Fulgent Genetics
Classification: Uncertain significance for Hypertrophic cardiomyopathy 4; Left ventricular noncompaction 10. Last evaluated: 2022-02-23. Review status: criteria provided, single submitter. Criteria: ACMG Guidelines, 2015. Collection method: clinical testing. Allele origin: unknown.